The following is an entry in ClinVar:

ClinVar aggregate classification (germline): Uncertain significance (1 of 4 stars; one submission).

Conditions:
Cardiomyopathy (CMYO). Also called: Cardiomyopathies. Identifiers: Orphanet 167848, MedGen C0878544, MONDO:0004994, HP:0001638. Inheritance: Various modes of inheritance.

Submission:

Color Diagnostics, LLC DBA Color Health
Classification: Uncertain significance for Cardiomyopathy. Last evaluated: 2024-03-06. Review status: criteria provided, single submitter. Criteria: ACMG Guidelines, 2015. Collection method: clinical testing. Allele origin: germline.
Comment: This missense variant replaces serine with arginine at codon 9 of the TMEM43 protein. Computational prediction suggests that this variant may not impact protein structure and function (internally defined REVEL score threshold <= 0.5, PMID: 27666373). To our knowledge, functional studies have not been reported for this variant. This variant has not been reported in individuals affected with cardiovascular disorders in the literature. This variant has not been identified in the general population by the Genome Aggregation Database (gnomAD). The available evidence is insufficient to determine the role of this variant in disease conclusively. Therefore, this variant is classified as a Variant of Uncertain Significance.

NM_024334.3(TMEM43):c.25A>C (p.Ser9Arg)

Gene: TMEM43 (transmembrane protein 43; plus strand). Cytogenetic location: 3p25.1.
Variant type: single nucleotide variant.
Coding change: c.25A>C on transcript NM_024334.3 (MANE Select); coding-DNA position 25, A replaced by C.
Protein change: p.Ser9Arg; replaces serine 9 with arginine.
Molecular consequence: missense variant. On other transcripts: intron variant (1).
Genome position (GRCh38, 1-based): chr3:14,129,424, A>C. VCF-style: chr3-14129424-A-C. GRCh37 (hg19) VCF-style: chr3-14170924-A-C.
Other names: c.25A>C, p.Ser9Arg (NM_001407274.1, NM_001407275.1, NM_001407276.1 and 3 more transcripts); c.13-1398A>C (NM_001407280.1); short protein forms S9R.
Identifiers: ClinVar variation 2774586 (VCV002774586.2), dbSNP rs1054032061, ClinGen allele CA351534180.
Genomic context (GRCh38, chr3:14,129,424, plus strand): 5'-TATTTTTAAAAACTAGTTTTCATTCTGTTACTGTTTCTTTTTCTTCAGTATTCCAGTACC[A>C]GTACCCGGAGAGAACATGTCAAAGTTAAAACCAGCTCCCAGCCAGGCTTCCTGGAACGGC-3'
Protein context (NP_077310.1, residues 1-19): MAANYSST[Ser9Arg]TRREHVKVKT